The following is an entry in ClinVar:

NM_014283.5(SUCO):c.2149G>C (p.Asp717His)

Gene: SUCO (SUN domain containing ossification factor; plus strand). Cytogenetic location: 1q24.3.
Variant type: single nucleotide variant.
Coding change: c.2149G>C on transcript NM_014283.5 (MANE Select); coding-DNA position 2149, G replaced by C.
Protein change: p.Asp717His; replaces aspartic acid 717 with histidine.
Molecular consequence: missense variant. On other transcripts: intron variant (1).
Genome position (GRCh38, 1-based): chr1:172,589,250, G>C. VCF-style: chr1-172589250-G-C. GRCh37 (hg19) VCF-style: chr1-172558390-G-C.
Other names: c.2602G>C, p.Asp868His (NM_016227.4); c.1712+326G>C (NM_001282750.2); c.460G>C, p.Asp154His (NM_001282751.2); short protein forms D717H, D868H, D154H.
Identifiers: ClinVar variation 2751683 (VCV002751683.3), dbSNP rs894674339, ClinGen allele CA32732645.

ClinVar aggregate classification (germline): Uncertain significance (1 of 4 stars; one submission).

Allele frequency attached by ClinVar (database versions not stated): gnomAD 0.00002; gnomAD exomes 0.00003; TOPMed 0.00004.
gnomAD v4.1: 42 of 1,613,756 alleles (0.0026%); highest among the groups gnomAD compares: Non-Finnish European, 0.0035%; no homozygotes.

Submission:

Labcorp Genetics (formerly Invitae), Labcorp
Classification: Uncertain significance. Last evaluated: 2024-01-03. Review status: criteria provided, single submitter. Criteria: Invitae Variant Classification Sherloc (09022015). Collection method: clinical testing. Allele origin: germline.
Comment: This sequence change replaces aspartic acid, which is acidic and polar, with histidine, which is basic and polar, at codon 717 of the SUCO protein (p.Asp717His). This variant is not present in population databases (gnomAD no frequency). This variant has not been reported in the literature in individuals affected with SUCO-related conditions. An algorithm developed to predict the effect of missense changes on protein structure and function (PolyPhen-2) suggests that this variant is likely to be tolerated. In summary, the available evidence is currently insufficient to determine the role of this variant in disease. Therefore, it has been classified as a Variant of Uncertain Significance.